The following is an entry in ClinVar:

ClinVar aggregate classification (germline): Uncertain significance (1 of 4 stars; one submission).

Conditions:
Epidermolysis bullosa simplex 3, localized or generalized intermediate, with BP230 deficiency (EBS3). Also called: Epidermolysis bullosa simplex due to BP230 deficiency; Epidermolysis bullosa simplex, autosomal recessive 2. Identifiers: Orphanet 412181, MedGen C3809470, MONDO:0014180, OMIM 615425.
Hereditary sensory and autonomic neuropathy type 6. Also called: HSAN VI; Neuropathy, hereditary sensory and autonomic, type VI. Identifiers: Orphanet 314381, MedGen C3539003, MONDO:0013839, OMIM 614653.

Allele frequency attached by ClinVar (database versions not stated): gnomAD 0.00001; gnomAD exomes 0.00001; ExAC 0.00003; ESP Exome Variant Server 0.00009.
gnomAD v4.1: 9 of 1,560,902 alleles (0.00058%); highest among the groups gnomAD compares: African/African-American, 0.0041%; no homozygotes.

Submission:

Labcorp Genetics (formerly Invitae), Labcorp
Classification: Uncertain significance for Epidermolysis bullosa simplex 3, localized or generalized intermediate, with BP230 deficiency; Hereditary sensory and autonomic neuropathy type 6. Last evaluated: 2023-03-31. Review status: criteria provided, single submitter. Criteria: Invitae Variant Classification Sherloc (09022015). Collection method: clinical testing. Allele origin: germline.
Comment: In summary, the available evidence is currently insufficient to determine the role of this variant in disease. Therefore, it has been classified as a Variant of Uncertain Significance. Experimental studies and prediction algorithms are not available or were not evaluated, and the functional significance of this variant is currently unknown. This variant has not been reported in the literature in individuals affected with DST-related conditions. The frequency data for this variant in the population databases is considered unreliable, as metrics indicate poor data quality at this position in the gnomAD database. This sequence change replaces valine, which is neutral and non-polar, with isoleucine, which is neutral and non-polar, at codon 1219 of the DST protein (p.Val1219Ile). The DST gene has multiple clinically relevant transcripts. This variant occurs in alternate transcript NM_015548.4, and corresponds to NM_001723.5:c.*5073G>A in the primary transcript.

NM_001374736.1(DST):c.5266G>A (p.Val1756Ile)

Gene: DST (dystonin; minus strand). Cytogenetic location: 6p12.1.
Variant type: single nucleotide variant.
Coding change: c.5266G>A on transcript NM_001374736.1 (MANE Select); coding-DNA position 5266, G replaced by A.
Protein change: p.Val1756Ile; replaces valine 1756 with isoleucine.
Molecular consequence: missense variant.
Genome position (GRCh38, 1-based): chr6:56,610,444, C>T on the plus strand (G>A on the coding strand, the complement: DST is on the minus strand). VCF-style: chr6-56610444-C-T. GRCh37 (hg19) VCF-style: chr6-56475242-C-T.
Other names: c.5167G>A, p.Val1723Ile (NM_001144769.5); c.4753G>A, p.Val1585Ile (NM_001144770.2); c.5266G>A, p.Val1756Ile (NM_001374722.1); c.4633G>A, p.Val1545Ile (NM_001374729.1, NM_001374730.1, NM_001386100.1 and 1 more transcripts); c.5293G>A, p.Val1765Ile (NM_001374734.1); c.3655G>A, p.Val1219Ile (NM_015548.5); short protein forms V1723I, V1765I, V1219I, V1756I, V1545I, V1585I.
Identifiers: ClinVar variation 1515135 (VCV001515135.4), dbSNP rs368650148, ClinGen allele CA3869765.